The following is an entry in ClinVar:

ClinVar aggregate classification (germline): Uncertain significance (1 of 4 stars; one submission).

Conditions:
Congenital myasthenic syndrome 15. Also called: Myasthenic syndrome, congenital, 15, without tubular aggregates. Identifiers: Orphanet 353327, Orphanet 590, MedGen C4015596, MONDO:0014542, OMIM 616227.

Allele frequency attached by ClinVar (database versions not stated): gnomAD 0.00001; TOPMed 0.00001; ExAC 0.00002; gnomAD exomes 0.00002.
gnomAD v4.1: 25 of 1,611,070 alleles (0.0016%); highest among the groups gnomAD compares: Middle Eastern, 0.017%; no homozygotes.

Submission:

Labcorp Genetics (formerly Invitae), Labcorp
Classification: Uncertain significance for Congenital myasthenic syndrome 15. Last evaluated: 2022-01-14. Review status: criteria provided, single submitter. Criteria: Invitae Variant Classification Sherloc (09022015). Collection method: clinical testing. Allele origin: germline.
Comment: This sequence change replaces proline, which is neutral and non-polar, with alanine, which is neutral and non-polar, at codon 93 of the ALG14 protein (p.Pro93Ala). This variant is present in population databases (rs775152763, gnomAD 0.004%). This variant has not been reported in the literature in individuals affected with ALG14-related conditions. ClinVar contains an entry for this variant (Variation ID: 962552). Algorithms developed to predict the effect of missense changes on protein structure and function (SIFT, PolyPhen-2, Align-GVGD) all suggest that this variant is likely to be tolerated. In summary, the available evidence is currently insufficient to determine the role of this variant in disease. Therefore, it has been classified as a Variant of Uncertain Significance.

NM_144988.4(ALG14):c.277C>G (p.Pro93Ala)

Genes: ALG14 (ALG14 UDP-N-acetylglucosaminyltransferase subunit; minus strand), ALG14-AS1 (ALG14 antisense RNA 1; plus strand). Cytogenetic location: 1p21.3.
Variant type: single nucleotide variant.
Coding change: c.277C>G on transcript NM_144988.4 (MANE Select); coding-DNA position 277, C replaced by G.
Protein change: p.Pro93Ala; replaces proline 93 with alanine.
Molecular consequence: missense variant.
Genome position (GRCh38, 1-based): chr1:95,064,877, G>C on the plus strand (C>G on the coding strand, the complement: ALG14 is on the minus strand). VCF-style: chr1-95064877-G-C. GRCh37 (hg19) VCF-style: chr1-95530433-G-C.
Other names: c.277C>G, p.Pro93Ala (NM_001305242.2); short protein forms P93A.
Identifiers: ClinVar variation 962552 (VCV000962552.7), dbSNP rs775152763, ClinGen allele CA961835.